The following is an entry in ClinVar:

NM_000843.4(GRM6):c.1862G>A (p.Arg621Gln)

Genes: GRM6 (glutamate metabotropic receptor 6; minus strand), ZNF454 (zinc finger protein 454; plus strand). Cytogenetic location: 5q35.3.
Variant type: single nucleotide variant.
Coding change: c.1862G>A on transcript NM_000843.4 (MANE Select); coding-DNA position 1862, G replaced by A.
Protein change: p.Arg621Gln; replaces arginine 621 with glutamine.
Molecular consequence: missense variant.
Genome position (GRCh38, 1-based): chr5:178,986,392, C>T on the plus strand (G>A on the coding strand, the complement: GRM6 is on the minus strand). VCF-style: chr5-178986392-C-T. GRCh37 (hg19) VCF-style: chr5-178413393-C-T.
Other names: short protein forms R621Q.
Identifiers: ClinVar variation 1017271 (VCV001017271.9), dbSNP rs1010329541, ClinGen allele CA133023358.

ClinVar aggregate classification (germline): Uncertain significance. Review status: criteria provided, multiple submitters, no conflicts (2 of 4 stars). 2 submissions from 2 submitters: Uncertain significance (2). Last evaluated 2024-11-22.

Allele frequency attached by ClinVar (database versions not stated): TOPMed 0.00001; gnomAD 0.00002; gnomAD exomes 0.00002.
gnomAD v4.1: 20 of 1,613,824 alleles (0.0012%); highest among the groups gnomAD compares: Admixed American, 0.0083%; no homozygotes.

Submissions (2):

Blueprint Genetics
Classification: Uncertain significance. Last evaluated: 2024-11-22. Review status: criteria provided, single submitter. Criteria: ACMG Guidelines, 2015. Collection method: clinical testing. Allele origin: germline.

Labcorp Genetics (formerly Invitae), Labcorp
Classification: Uncertain significance. Last evaluated: 2022-07-11. Review status: criteria provided, single submitter. Criteria: Invitae Variant Classification Sherloc (09022015). Collection method: clinical testing. Allele origin: germline.
Comment: This variant has not been reported in the literature in individuals affected with GRM6-related conditions. This variant is present in population databases (no rsID available, gnomAD 0.009%). This sequence change replaces arginine, which is basic and polar, with glutamine, which is neutral and polar, at codon 621 of the GRM6 protein (p.Arg621Gln). ClinVar contains an entry for this variant (Variation ID: 1017271). In summary, the available evidence is currently insufficient to determine the role of this variant in disease. Therefore, it has been classified as a Variant of Uncertain Significance. Advanced modeling of protein sequence and biophysical properties (such as structural, functional, and spatial information, amino acid conservation, physicochemical variation, residue mobility, and thermodynamic stability) performed at Invitae indicates that this missense variant is expected to disrupt GRM6 protein function.